The following is an entry in ClinVar:

NM_133259.4(LRPPRC):c.1685A>G (p.Glu562Gly)

Gene: LRPPRC (leucine rich pentatricopeptide repeat containing; minus strand). Cytogenetic location: 2p21.
Variant type: single nucleotide variant.
Coding change: c.1685A>G on transcript NM_133259.4 (MANE Select); coding-DNA position 1685, A replaced by G.
Protein change: p.Glu562Gly; replaces glutamic acid 562 with glycine.
Molecular consequence: missense variant.
Genome position (GRCh38, 1-based): chr2:43,949,652, T>C on the plus strand (A>G on the coding strand, the complement: LRPPRC is on the minus strand). VCF-style: chr2-43949652-T-C. GRCh37 (hg19) VCF-style: chr2-44176791-T-C.
Other names: c.1685A>G (NM_133259.3); short protein forms E562G.
Identifiers: ClinVar variation 2150809 (VCV002150809.5), dbSNP rs142535753, ClinGen allele CA1638808.

ClinVar aggregate classification (germline): Conflicting classifications of pathogenicity. Review status: criteria provided, conflicting classifications (1 of 4 stars). 4 submissions from 4 submitters: Uncertain significance (3); Likely benign (1). Last evaluated 2025-11-03.

Conditions:
Inborn genetic diseases. Identifiers: MedGen C0950123, MeSH D030342.
Congenital lactic acidosis, Saguenay-Lac-Saint-Jean type (MC4DN5). Also called: MITOCHONDRIAL COMPLEX IV DEFICIENCY, NUCLEAR TYPE 5; CYTOCHROME c OXIDASE DEFICIENCY, FRENCH CANADIAN TYPE; COX DEFICIENCY, FRENCH CANADIAN TYPE. Identifiers: Orphanet 70472, MedGen C1857355, MONDO:0009069, OMIM 220111.

Allele frequency attached by ClinVar (database versions not stated): gnomAD exomes 0.00002; gnomAD 0.00026; TOPMed 0.00028.
gnomAD v4.1: 72 of 1,613,174 alleles (0.0045%); highest among the groups gnomAD compares: African/African-American, 0.084%; 1 homozygote.

Submissions (4):

GeneDx
Classification: Uncertain significance. Last evaluated: 2025-11-03. Review status: criteria provided, single submitter. Criteria: GeneDx Variant Classification Process June 2021. Collection method: clinical testing. Allele origin: germline.
Comment: In silico analysis supports that this missense variant has a deleterious effect on protein structure/function; Has not been previously published as pathogenic or benign to our knowledge

Revvity Omics, Revvity
Classification: Uncertain significance for Congenital lactic acidosis, Saguenay-Lac-Saint-Jean type. Last evaluated: 2024-02-27. Review status: criteria provided, single submitter. Criteria: ACMG Guidelines, 2015. Collection method: clinical testing. Allele origin: germline.

Ambry Genetics
Classification: Likely benign for Inborn genetic diseases. Last evaluated: 2022-06-13. Review status: criteria provided, single submitter. Criteria: Ambry Variant Classification Scheme 2023. Collection method: clinical testing. Allele origin: germline.

Labcorp Genetics (formerly Invitae), Labcorp
Classification: Uncertain significance. Last evaluated: 2022-06-13. Review status: criteria provided, single submitter. Criteria: Invitae Variant Classification Sherloc (09022015). Collection method: clinical testing. Allele origin: germline.
Comment: This sequence change replaces glutamic acid, which is acidic and polar, with glycine, which is neutral and non-polar, at codon 562 of the LRPPRC protein (p.Glu562Gly). This variant is present in population databases (rs142535753, gnomAD 0.09%). This variant has not been reported in the literature in individuals affected with LRPPRC-related conditions. Algorithms developed to predict the effect of missense changes on protein structure and function are either unavailable or do not agree on the potential impact of this missense change (SIFT: "Deleterious"; PolyPhen-2: "Possibly Damaging"; Align-GVGD: "Class C0"). In summary, the available evidence is currently insufficient to determine the role of this variant in disease. Therefore, it has been classified as a Variant of Uncertain Significance.